The following is an entry in ClinVar:

ClinVar aggregate classification (germline): Pathogenic (1 of 4 stars; one submission).

Conditions:
Familial X-linked hypophosphatemic vitamin D refractory rickets (XLHRD). Also called: Hypophosphatemia, vitamin D-resistant rickets; Vitamin D-resistant rickets, X-linked; X-Linked Hypophosphatemia; Hypophosphatemic Rickets, X-Linked Dominant; HYPOPHOSPHATEMIC VITAMIN D-RESISTANT RICKETS. Identifiers: Orphanet 89936, MedGen C0733682, MONDO:0010619, OMIM 307800.

Submission:

MNM Diagnostics
Classification: Pathogenic for Familial X-linked hypophosphatemic vitamin D refractory rickets. Last evaluated: 2019-09-05. Review status: criteria provided, single submitter. Criteria: ACMG Guidelines, 2015. Collection method: clinical testing. Allele origin: unknown. Affected: yes.
Comment: The variant fulfills the pathogenic criteria due to the following observations. This is a truncating mutation that deletes 6 final exons of the gene, whose loss of function is responsible for disease onset (PVS1). The funcional protein domain is deleted (PM1). Patient's phenotype is specific for a disease with monogenic etiology (PP4), namely hipophosphatemic rickets (XLHR).

NC_000023.11:g.22213388_22345581del

Genes: CBLL2 (Cbl proto-oncogene like 2; plus strand), PHEX (phosphate regulating endopeptidase X-linked; plus strand), PTCHD1-AS (PTCHD1 and PHEX antisense RNA; minus strand). Cytogenetic location: Xp22.11.
Variant type: Deletion.
Identifiers: ClinVar variation 989452 (VCV000989452.2).